The following is an entry in ClinVar:

ClinVar aggregate classification (germline): Conflicting classifications of pathogenicity. Review status: criteria provided, conflicting classifications (1 of 4 stars). 2 submissions from 2 submitters: Uncertain significance (1); Likely benign (1). Last evaluated 2023-10-22.

Conditions:
Developmental and epileptic encephalopathy, 34 (DEE34). Also called: Early infantile epileptic encephalopathy 34; SLC12A5-Related Epilepsy of Infancy with Migrating Focal Seizures. Identifiers: Orphanet 293181, MedGen C4225257, MONDO:0014718, OMIM 616645.

Allele frequency attached by ClinVar (database versions not stated): gnomAD exomes below 0.00001; gnomAD 0.00001.
gnomAD v4.1: 3 of 1,614,054 alleles (0.00019%); highest among the groups gnomAD compares: Non-Finnish European, 0.00025%; no homozygotes.

Submissions (2):

Labcorp Genetics (formerly Invitae), Labcorp
Classification: Likely benign for Developmental and epileptic encephalopathy, 34. Last evaluated: 2023-10-22. Review status: criteria provided, single submitter. Criteria: Invitae Variant Classification Sherloc (09022015). Collection method: clinical testing. Allele origin: germline.

Greenwood Genetic Center Diagnostic Laboratories, Greenwood Genetic Center
Classification: Uncertain significance. Last evaluated: 2023-06-15. Review status: criteria provided, single submitter. Criteria: ACMG Guidelines, 2015. Collection method: clinical testing. Allele origin: germline. Affected: yes.
Comment: PM2

NM_020708.5(SLC12A5):c.978C>T (p.Phe326=)

Gene: SLC12A5 (solute carrier family 12 member 5; plus strand). Cytogenetic location: 20q13.12.
Variant type: single nucleotide variant.
Coding change: c.978C>T on transcript NM_020708.5 (MANE Select); coding-DNA position 978, C replaced by T.
Protein change: p.Phe326=; no amino-acid change (phenylalanine 326 retained).
Molecular consequence: synonymous variant.
Genome position (GRCh38, 1-based): chr20:46,041,452, C>T. VCF-style: chr20-46041452-C-T. GRCh37 (hg19) VCF-style: chr20-44670091-C-T.
Other names: c.1047C>T, p.Phe349= (NM_001134771.2).
Identifiers: ClinVar variation 2572275 (VCV002572275.4), dbSNP rs2084546474, ClinGen allele CA510645957.